The following is an entry in ClinVar:

ClinVar aggregate classification (germline): Likely pathogenic (1 of 4 stars; one submission).

Conditions:
Familial dysautonomia. Also called: HSAN III; FD. Identifiers: Orphanet 1764, MedGen C0013364, MONDO:0009131, OMIM 223900. Disease mechanism: loss of function.

Submission:

Natera, Inc.
Classification: Likely pathogenic for Familial dysautonomia. Last evaluated: 2024-10-21. Review status: criteria provided, single submitter. Criteria: Natera Variant Classification Schema (03/2026). Collection method: clinical testing. Allele origin: germline.
Comment: The c.1460del variant in ELP1 is a frameshift variant predicted to shift the reading frame beginning at codon 488 and leads to a stop codon 11 codons downstream. This variant is expected to result in nonsense mediated decay, truncation, or a dysfunctional protein product. This variant is rare in the general population with a frequency below the threshold expected for the associated phenotype(s). Given the available evidence, this variant is classified as Likely Pathogenic.

NM_003640.5(ELP1):c.1459delA (p.Ile488fs)

Gene: ELP1 (elongator acetyltransferase complex subunit 1; minus strand). Cytogenetic location: 9q31.3.
Variant type: Deletion.
Coding change: c.1459delA on transcript NM_003640.5 (MANE Select); coding-DNA position 1459, one base deleted (A).
Protein change: p.Ile488fs; shifts the reading frame from isoleucine 488.
Molecular consequence: frameshift variant.
Genome position (GRCh38, 1-based): chr9:108,908,305, T deleted on the plus strand (A on the coding strand, the reverse complement: ELP1 is on the minus strand); the first of 2 consecutive T bases (chr9:108,908,305-108,908,306); deleting either gives the same sequence. VCF-style (leftmost placement, unchanged base first): chr9-108908304-CT-C. GRCh37 (hg19) VCF-style: chr9-111670584-CT-C.
Other names: c.1117delA, p.Ile374fs (NM_001318360.2); c.412delA, p.Ile139fs (NM_001330749.2); short protein forms I139fs, I374fs, I488fs.
Identifiers: ClinVar variation 4815175 (VCV004815175.1).